The following is an entry in ClinVar:

ClinVar aggregate classification (germline): Uncertain significance (1 of 4 stars; one submission).

Allele frequency attached by ClinVar (database versions not stated): gnomAD exomes 0.00001; ExAC 0.00004; ESP Exome Variant Server 0.00009; TOPMed 0.00012; gnomAD 0.00014 and 0.00015.
gnomAD v4.1: 35 of 1,507,680 alleles (0.0023%); highest among the groups gnomAD compares: African/African-American, 0.045%; no homozygotes.

Submission:

Labcorp Genetics (formerly Invitae), Labcorp
Classification: Uncertain significance. Last evaluated: 2025-12-17. Review status: criteria provided, single submitter. Criteria: Invitae Variant Classification Sherloc (09022015). Collection method: clinical testing. Allele origin: germline.
Comment: This sequence change replaces asparagine, which is neutral and polar, with serine, which is neutral and polar, at codon 197 of the C7 protein (p.Asn197Ser). This variant is present in population databases (rs374503886, gnomAD 0.03%). This variant has not been reported in the literature in individuals affected with C7-related conditions. ClinVar contains an entry for this variant (Variation ID: 1498259). Invitae Evidence Modeling of protein sequence and biophysical properties (such as structural, functional, and spatial information, amino acid conservation, physicochemical variation, residue mobility, and thermodynamic stability) indicates that this missense variant is not expected to disrupt C7 protein function with a negative predictive value of 80%. In summary, the available evidence is currently insufficient to determine the role of this variant in disease. Therefore, it has been classified as a Variant of Uncertain Significance.

NM_000587.4(C7):c.590A>G (p.Asn197Ser)

Gene: C7 (complement C7; plus strand). Cytogenetic location: 5p13.1.
Variant type: single nucleotide variant.
Coding change: c.590A>G on transcript NM_000587.4 (MANE Select); coding-DNA position 590, A replaced by G.
Protein change: p.Asn197Ser; replaces asparagine 197 with serine.
Molecular consequence: missense variant.
Genome position (GRCh38, 1-based): chr5:40,945,220, A>G. VCF-style: chr5-40945220-A-G. GRCh37 (hg19) VCF-style: chr5-40945322-A-G.
Other names: short protein forms N197S.
Identifiers: ClinVar variation 1498259 (VCV001498259.8), dbSNP rs374503886, ClinGen allele CA3249694.